The following is an entry in ClinVar:

NM_001556.3(IKBKB):c.1200G>C (p.Gln400His)

Gene: IKBKB (inhibitor of nuclear factor kappa B kinase subunit beta; plus strand). Cytogenetic location: 8p11.21.
Variant type: single nucleotide variant.
Coding change: c.1200G>C on transcript NM_001556.3 (MANE Select); coding-DNA position 1200, G replaced by C.
Protein change: p.Gln400His; replaces glutamine 400 with histidine.
Molecular consequence: missense variant. On other transcripts: non-coding transcript variant (3).
Genome position (GRCh38, 1-based): chr8:42,317,731, G>C. VCF-style: chr8-42317731-G-C. GRCh37 (hg19) VCF-style: chr8-42175249-G-C.
Other names: c.1008G>C, p.Gln336His (NM_001190720.3); c.1023G>C, p.Gln341His (NM_001242778.2); c.1200G>C (NM_001556.2); short protein forms Q341H, Q336H, Q400H.
Identifiers: ClinVar variation 1976640 (VCV001976640.3), dbSNP rs2487668287, ClinGen allele CA371087182.

ClinVar aggregate classification (germline): Uncertain significance. Review status: criteria provided, multiple submitters, no conflicts (2 of 4 stars). 2 submissions from 2 submitters: Uncertain significance (2). Last evaluated 2023-05-16.

Conditions:
IKBKB-related disorder. Also called: IKBKB-related condition.
Severe combined immunodeficiency due to IKK2 deficiency. Also called: IMMUNODEFICIENCY 15B; Immunodeficiency 15. Identifiers: Orphanet 397787, MedGen C4747743, MONDO:0014267, OMIM 615592.

Allele frequency attached by ClinVar (database versions not stated): gnomAD exomes below 0.00001.
gnomAD v4.1: 1 of 1,613,918 alleles (0.000062%); highest among the groups gnomAD compares: Non-Finnish European, 0.000085%; no homozygotes.

Submissions (2):

PreventionGenetics, part of Exact Sciences
Classification: Uncertain significance for IKBKB-related condition. Last evaluated: 2023-05-16. Review status: criteria provided, single submitter. Criteria: ACMG Guidelines, 2015. Collection method: clinical testing. Allele origin: germline.
Comment: The IKBKB c.1200G>C variant is predicted to result in the amino acid substitution p.Gln400His. To our knowledge, this variant has not been reported in the literature or in a large population database, indicating this variant is rare. At this time, the clinical significance of this variant is uncertain due to the absence of conclusive functional and genetic evidence.

Labcorp Genetics (formerly Invitae), Labcorp
Classification: Uncertain significance for Severe combined immunodeficiency due to IKK2 deficiency. Last evaluated: 2022-10-02. Review status: criteria provided, single submitter. Criteria: Invitae Variant Classification Sherloc (09022015). Collection method: clinical testing. Allele origin: germline.
Comment: This sequence change replaces glutamine, which is neutral and polar, with histidine, which is basic and polar, at codon 400 of the IKBKB protein (p.Gln400His). This variant is not present in population databases (gnomAD no frequency). This variant has not been reported in the literature in individuals affected with IKBKB-related conditions. Advanced modeling of protein sequence and biophysical properties (such as structural, functional, and spatial information, amino acid conservation, physicochemical variation, residue mobility, and thermodynamic stability) performed at Invitae indicates that this missense variant is not expected to disrupt IKBKB protein function. In summary, the available evidence is currently insufficient to determine the role of this variant in disease. Therefore, it has been classified as a Variant of Uncertain Significance.